The following is an entry in ClinVar:

ClinVar aggregate classification (germline): Uncertain significance (1 of 4 stars; one submission).

Allele frequency attached by ClinVar (database versions not stated): gnomAD exomes below 0.00001; gnomAD 0.00001; TOPMed 0.00001.

Submission:

GeneDx
Classification: Uncertain significance. Last evaluated: 2019-04-30. Review status: criteria provided, single submitter. Criteria: GeneDx Variant Classification Process June 2021. Collection method: clinical testing. Allele origin: germline. Affected: yes.
Comment: Has not been previously published as pathogenic or benign to our knowledge; Not observed in large population cohorts (Lek et al., 2016); In silico analysis, which includes protein predictors and evolutionary conservation, supports a deleterious effect

NM_025265.4(TSEN2):c.907G>A (p.Glu303Lys)

Gene: TSEN2 (tRNA splicing endonuclease subunit 2; plus strand). Cytogenetic location: 3p25.2.
Variant type: single nucleotide variant.
Coding change: c.907G>A on transcript NM_025265.4 (MANE Select); coding-DNA position 907, G replaced by A.
Protein change: p.Glu303Lys; replaces glutamic acid 303 with lysine.
Molecular consequence: missense variant. On other transcripts: non-coding transcript variant (1), intron variant (2).
Genome position (GRCh38, 1-based): chr3:12,505,229, G>A. VCF-style: chr3-12505229-G-A. GRCh37 (hg19) VCF-style: chr3-12546728-G-A.
Other names: c.907G>A, p.Glu303Lys (NM_001145392.2, NM_001321277.2, NM_001321278.2); c.730G>A, p.Glu244Lys (NM_001145394.2); c.831+1445G>A (NM_001321279.2, NM_001145393.3); short protein forms E244K, E303K.
Identifiers: ClinVar variation 1305319 (VCV001305319.2), dbSNP rs2054686951, ClinGen allele CA351473233.